The following is an entry in ClinVar:

NM_001197104.2(KMT2A):c.8864T>C (p.Ile2955Thr)

Gene: KMT2A (lysine methyltransferase 2A; plus strand). Cytogenetic location: 11q23.3.
Variant type: single nucleotide variant.
Coding change: c.8864T>C on transcript NM_001197104.2 (MANE Select); coding-DNA position 8864, T replaced by C.
Protein change: p.Ile2955Thr; replaces isoleucine 2955 with threonine.
Molecular consequence: missense variant.
Genome position (GRCh38, 1-based): chr11:118,504,756, T>C. VCF-style: chr11-118504756-T-C. GRCh37 (hg19) VCF-style: chr11-118375471-T-C.
Other names: c.8855T>C, p.Ile2952Thr (NM_005933.4); c.8864T>C (NM_001197104.1); short protein forms I2952T, I2955T.
Identifiers: ClinVar variation 1433014 (VCV001433014.6), dbSNP rs782270841, ClinGen allele CA6304532.

ClinVar aggregate classification (germline): Uncertain significance. Review status: criteria provided, multiple submitters, no conflicts (2 of 4 stars). 2 submissions from 2 submitters: Uncertain significance (2). Last evaluated 2025-09-22.

Conditions:
KMT2A-related disorder. Also called: KMT2A-related condition.

Allele frequency attached by ClinVar (database versions not stated): gnomAD 0.00002.
gnomAD v4.1: 31 of 1,613,998 alleles (0.0019%); highest among the groups gnomAD compares: Non-Finnish European, 0.0024%; no homozygotes.

Submissions (2):

Labcorp Genetics (formerly Invitae), Labcorp
Classification: Uncertain significance. Last evaluated: 2025-09-22. Review status: criteria provided, single submitter. Criteria: Invitae Variant Classification Sherloc (09022015). Collection method: clinical testing. Allele origin: germline.
Comment: This sequence change replaces isoleucine, which is neutral and non-polar, with threonine, which is neutral and polar, at codon 2955 of the KMT2A protein (p.Ile2955Thr). This variant is present in population databases (rs782270841, gnomAD 0.003%). This variant has not been reported in the literature in individuals affected with KMT2A-related conditions. ClinVar contains an entry for this variant (Variation ID: 1433014). Invitae Evidence Modeling of protein sequence and biophysical properties (such as structural, functional, and spatial information, amino acid conservation, physicochemical variation, residue mobility, and thermodynamic stability) indicates that this missense variant is not expected to disrupt KMT2A protein function with a negative predictive value of 95%. In summary, the available evidence is currently insufficient to determine the role of this variant in disease. Therefore, it has been classified as a Variant of Uncertain Significance.

PreventionGenetics, part of Exact Sciences
Classification: Uncertain significance for KMT2A-related condition. Last evaluated: 2023-09-08. Review status: criteria provided, single submitter. Criteria: ACMG Guidelines, 2015. Collection method: clinical testing. Allele origin: germline.
Comment: The KMT2A c.8864T>C variant is predicted to result in the amino acid substitution p.Ile2955Thr. To our knowledge, this variant has not been reported in the literature. This variant is reported in 0.0026% of alleles in individuals of European (Non-Finnish) descent in gnomAD. At this time, the clinical significance of this variant is uncertain due to the absence of conclusive functional and genetic evidence.